The following is an entry in ClinVar:

NM_152564.5(VPS13B):c.11044+5C>T

Gene: VPS13B (vacuolar protein sorting 13 homolog B; plus strand). Cytogenetic location: 8q22.2.
Variant type: single nucleotide variant.
Coding change: c.11044+5C>T on transcript NM_152564.5 (MANE Select); 5 bases into the intron after coding-DNA position 11044, C replaced by T.
Molecular consequence: intron variant.
Genome position (GRCh38, 1-based): chr8:99,859,485, C>T. VCF-style: chr8-99859485-C-T. GRCh37 (hg19) VCF-style: chr8-100871713-C-T.
Other names: c.11119+5C>T (NM_017890.5).
Identifiers: ClinVar variation 656595 (VCV000656595.13), dbSNP rs764708878, ClinGen allele CA4825102.
Genomic context (GRCh38, chr8:99,859,485, plus strand): 5'-CTTCGTGAGTGGCGTCTCCAGAGGGACCACATCGTTTGTAAAGCACATCTCCAAAGGTAG[C>T]GGGTTCCGTTCCTTGTAATAATGCCTTCACTCCTTCCCTTTTTTTTTTTTTTTAAAGAAT-3'

ClinVar aggregate classification (germline): Conflicting classifications of pathogenicity. Review status: criteria provided, conflicting classifications (1 of 4 stars). 7 submissions from 7 submitters: Pathogenic (1); Uncertain significance (5). 1 of the submissions does not count toward it. Last evaluated 2026-01-05.

Conditions:
Inborn genetic diseases. Identifiers: MedGen C0950123, MeSH D030342.
Cohen syndrome (COH1). Also called: PEPPER SYNDROME; Cutis verticis gyrata, retinitis pigmentosa, and sensorineural deafness. Identifiers: Orphanet 193, MedGen C0265223, MONDO:0008999, OMIM 216550.

Allele frequency attached by ClinVar (database versions not stated): gnomAD 0.00003; TOPMed 0.00003.
gnomAD v4.1: 54 of 1,611,384 alleles (0.0034%); highest among the groups gnomAD compares: Middle Eastern, 0.049%; no homozygotes.

Submissions (7):

Women's Health and Genetics/Laboratory Corporation of America, LabCorp
Classification: Uncertain significance. Last evaluated: 2026-01-05. Review status: criteria provided, single submitter. Criteria: LabCorp Variant Classification Summary - May 2015. Collection method: clinical testing. Allele origin: germline.
Comment: Variant summary: VPS13B c.11119+5C>T alters a nucleotide located close to a canonical splice site and therefore could affect mRNA splicing, leading to a significantly altered protein sequence. Several computational tools predict a significant impact on normal splicing: Three predict the variant weakens a 5' donor site. Two predict the variant has no significant impact on splicing. However, these predictions have yet to be confirmed by functional studies. The variant allele was found at a frequency of 5.2e-05 in 249826 control chromosomes. This frequency is not significantly higher than estimated for disease-causing variants in VPS13B, allowing no conclusion about variant significance. To our knowledge, no occurrence of c.11119+5C>T in individuals affected with VPS13B-related conditions and no experimental evidence demonstrating its impact on protein function have been reported. ClinVar contains an entry for this variant (Variation ID: 656595). Based on the evidence outlined above, the variant was classified as uncertain significance.

Labcorp Genetics (formerly Invitae), Labcorp
Classification: Uncertain significance for Cohen syndrome. Last evaluated: 2024-10-18. Review status: criteria provided, single submitter. Criteria: Invitae Variant Classification Sherloc (09022015). Collection method: clinical testing. Allele origin: germline.
Comment: This sequence change falls in intron 57 of the VPS13B gene. It does not directly change the encoded amino acid sequence of the VPS13B protein. It affects a nucleotide within the consensus splice site. This variant is present in population databases (rs764708878, gnomAD 0.01%). This variant has not been reported in the literature in individuals affected with VPS13B-related conditions. ClinVar contains an entry for this variant (Variation ID: 656595). Variants that disrupt the consensus splice site are a relatively common cause of aberrant splicing (PMID: 17576681, 9536098). Algorithms developed to predict the effect of sequence changes on RNA splicing suggest that this variant is not likely to affect RNA splicing. In summary, the available evidence is currently insufficient to determine the role of this variant in disease. Therefore, it has been classified as a Variant of Uncertain Significance.

Laboratory of Medical Genetics, National & Kapodistrian University of Athens
Classification: Pathogenic for Cohen syndrome. Last evaluated: 2024-02-01. Review status: criteria provided, single submitter. Criteria: ACMG Guidelines, 2015. Collection method: curation. Allele origin: germline. Affected: no.

Ambry Genetics
Classification: Uncertain significance for Inborn genetic diseases. Last evaluated: 2022-06-30. Review status: criteria provided, single submitter. Criteria: Ambry Variant Classification Scheme 2023. Collection method: clinical testing. Allele origin: germline.
Comment: The c.11119+5C>T intronic alteration consists of a C to T substitution nucleotides after coding exon 56 in the VPS13B gene. Based on insufficient or conflicting evidence, the clinical significance of this alteration remains unclear.

GeneDx
Classification: Uncertain significance. Last evaluated: 2022-04-21. Review status: criteria provided, single submitter. Criteria: GeneDx Variant Classification Process June 2021. Collection method: clinical testing. Allele origin: germline. Affected: yes.
Comment: Not observed at significant frequency in large population cohorts (gnomAD); In silico analysis supports a deleterious effect on splicing; Has not been previously published as pathogenic or benign to our knowledge

Breakthrough Genomics
Classification: Uncertain significance. Review status: criteria provided, single submitter. Criteria: ACMG Guidelines, 2015. Collection method: not provided. Allele origin: germline. Inheritance: Autosomal recessive inheritance. Affected: yes.

Natera, Inc.
Classification: Uncertain significance for Cohen syndrome. Last evaluated: 2020-09-16. Review status: no assertion criteria provided. Collection method: clinical testing. Allele origin: germline. Not counted in ClinVar's aggregate classification.

Literature cited by the submitters: PubMed 17576681 (cited by Labcorp Genetics (formerly Invitae), Labcorp); PubMed 9536098 (cited by Labcorp Genetics (formerly Invitae), Labcorp).